The following is an entry in ClinVar:

NM_000501.4(ELN):c.163+1G>T

Gene: ELN (elastin; plus strand). Cytogenetic location: 7q11.23.
Variant type: single nucleotide variant.
Coding change: c.163+1G>T on transcript NM_000501.4 (MANE Select); the canonical splice donor site of the intron after coding-DNA position 163, G replaced by T.
Molecular consequence: splice donor variant. On other transcripts: intron variant (4).
Genome position (GRCh38, 1-based): chr7:74,036,585, G>T. VCF-style: chr7-74036585-G-T. GRCh37 (hg19) VCF-style: chr7-73450915-G-T.
Other names: c.163+1G>T (NM_001081754.3, NM_001081753.3, NM_001278939.2 and 5 more transcripts); c.134-1122G>T (NM_001278914.2, NM_001278917.2, NM_001081752.3 and 1 more transcripts).
Identifiers: ClinVar variation 3390559 (VCV003390559.1).
Genomic context (GRCh38, chr7:74,036,585, plus strand): 5'-ATCTCTCTTTCTCTTTCTCTCCCCCCACAGGGGCTGGTCTCGGAGCCCTTGGAGGAGGAG[G>T]TGAGCTCAGAAACCACACTTGTTCATCACTGAAAGGGCCTGGGTTTCACCCGAGCCACAT-3'

ClinVar aggregate classification (germline): Pathogenic (1 of 4 stars; one submission).

Submission:

GeneDx
Classification: Pathogenic. Last evaluated: 2024-06-10. Review status: criteria provided, single submitter. Criteria: GeneDx Variant Classification Process June 2021. Collection method: clinical testing. Allele origin: germline. Affected: yes.
Comment: Canonical splice site variant predicted to result in an in-frame loss of the adjacent exon in a gene for which loss of function is a known mechanism of disease; Not observed at significant frequency in large population cohorts (gnomAD); This variant is associated with the following publications: (PMID: 11175284)